The following is an entry in ClinVar:

ClinVar aggregate classification (germline): Uncertain significance (1 of 4 stars; one submission).

Conditions:
Fabry disease. Also called: Fabry's disease; ALPHA-GALACTOSIDASE A DEFICIENCY; ANDERSON-FABRY DISEASE; CERAMIDE TRIHEXOSIDASE DEFICIENCY; GLA DEFICIENCY; HEREDITARY DYSTOPIC LIPIDOSIS. Identifiers: Orphanet 324, MedGen C0002986, MONDO:0010526, OMIM 301500, HP:0001071. Disease mechanism: Fabry disease is due to inactivating mutations in the X-linked GLA gene resulting in deficiency of the enzyme Alpha Galactosidase-A., loss of function.

Submission:

Genomenon, Inc
Classification: Uncertain significance for Fabry disease. Last evaluated: 2026-09-08. Review status: criteria provided, single submitter. Criteria: Genomenon Sequence Variant Interpretation Standards - Updated. Collection method: curation. Allele origin: germline. Affected: yes.
Comment: GLA p.Asp155Asn (c.463G>A) is a missense variant that changes the amino acid at codon 155 from Aspartic acid to Asparagine. This variant has been observed in at least one proband with clinical features consistent with Fabry disease (PMID:40784937). It is absent or not present at a significant frequency in gnomAD. In silico models predict that this variant is possibly or probably damaging. In conclusion, we classify GLA p.Asp155Asn (c.463G>A) as a variant of uncertain significance.

Literature cited by the submitters: PubMed 40784937.

NM_000169.3(GLA):c.463G>A (p.Asp155Asn)

Genes: GLA (galactosidase alpha; minus strand), RPL36A-HNRNPH2 (RPL36A-HNRNPH2 readthrough; plus strand). Cytogenetic location: Xq22.1.
Variant type: single nucleotide variant.
Coding change: c.463G>A on transcript NM_000169.3 (MANE Select); coding-DNA position 463, G replaced by A.
Protein change: p.Asp155Asn; replaces aspartic acid 155 with asparagine.
Molecular consequence: missense variant. On other transcripts: non-coding transcript variant (3), intron variant (2).
Genome position (GRCh38, 1-based): chrX:101,401,716, C>T on the plus strand (G>A on the coding strand, the complement: GLA is on the minus strand). VCF-style: chrX-101401716-C-T. GRCh37 (hg19) VCF-style: chrX-100656704-C-T.
Other names: c.586G>A, p.Asp196Asn (NM_001406747.1, NM_001406749.1); c.463G>A, p.Asp155Asn (NM_001406748.1); c.300+6259C>T (NM_001199973.2); c.177+9894C>T (NM_001199974.2); short protein forms D155N, D196N.
Identifiers: ClinVar variation 4974889 (VCV004974889.1).
Genomic context (GRCh38, chrX:101,401,716, plus strand): 5'-CACAGTAACAACCATCAAATTTTAGCAGATCTACTCCCCAGTCAGCAAAGGTCTGGGCAT[C>T]AATGTCGTAGTATCCAAAACTCCCAGGGAAGCCTGCGCAGGTTTTATTTCCAACATCTGC-3'
Protein context (NP_000160.1, residues 145-165): FPGSFGYYDI[Asp155Asn]AQTFADWGVD